The following is an entry in ClinVar:

NM_013336.4(SEC61A1):c.939T>G (p.Ser313Arg)

Genes: RUVBL1 (RuvB like AAA ATPase 1; minus strand), SEC61A1 (SEC61 translocon subunit alpha 1; plus strand). Cytogenetic location: 3q21.3.
Variant type: single nucleotide variant.
Coding change: c.939T>G on transcript NM_013336.4 (MANE Select); coding-DNA position 939, T replaced by G.
Protein change: p.Ser313Arg; replaces serine 313 with arginine.
Molecular consequence: missense variant. On other transcripts: intron variant (1).
Genome position (GRCh38, 1-based): chr3:128,067,115, T>G. VCF-style: chr3-128067115-T-G. GRCh37 (hg19) VCF-style: chr3-127785958-T-G.
Other names: c.957T>G, p.Ser319Arg (NM_001400328.1); c.780T>G, p.Ser260Arg (NM_001400329.1); c.940-1895A>C (NM_001319086.1); short protein forms S313R, S260R, S319R.
Identifiers: ClinVar variation 1352639 (VCV001352639.8), dbSNP rs1387179429, ClinGen allele CA354399992.
Genomic context (GRCh38, chr3:128,067,115, plus strand): 5'-GCAGTCTGCCCTGGTGTCCAACCTTTATGTCATCTCCCAAATGCTCTCAGCTCGCTTCAG[T>G]GGCAACTTGCTGGTCAGCCTGCTGGGCACCTGGTCGGTAAGTAGGCTCTTTGAAGATGAG-3'
Protein context (NP_037468.1, residues 303-323): VISQMLSARF[Ser313Arg]GNLLVSLLGT

ClinVar aggregate classification (germline): Uncertain significance (1 of 4 stars; one submission).

Allele frequency attached by ClinVar (database versions not stated): gnomAD exomes below 0.00001.
gnomAD v4.1: 1 of 1,614,246 alleles (0.000062%); highest among the groups gnomAD compares: East Asian, 0.0022%; no homozygotes.

Submission:

Labcorp Genetics (formerly Invitae), Labcorp
Classification: Uncertain significance. Last evaluated: 2021-05-09. Review status: criteria provided, single submitter. Criteria: Invitae Variant Classification Sherloc (09022015). Collection method: clinical testing. Allele origin: germline.
Comment: In summary, the available evidence is currently insufficient to determine the role of this variant in disease. Therefore, it has been classified as a Variant of Uncertain Significance. Algorithms developed to predict the effect of missense changes on protein structure and function (SIFT, PolyPhen-2, Align-GVGD) all suggest that this variant is likely to be tolerated, but these predictions have not been confirmed by published functional studies and their clinical significance is uncertain. This variant has not been reported in the literature in individuals with SEC61A1-related conditions. This variant is not present in population databases (ExAC no frequency). This sequence change replaces serine with arginine at codon 313 of the SEC61A1 protein (p.Ser313Arg). The serine residue is moderately conserved and there is a moderate physicochemical difference between serine and arginine.